The following is an entry in ClinVar:

NM_000215.4(JAK3):c.1672A>G (p.Met558Val)

Gene: JAK3 (Janus kinase 3; minus strand). Cytogenetic location: 19p13.11.
Variant type: single nucleotide variant.
Coding change: c.1672A>G on transcript NM_000215.4 (MANE Select); coding-DNA position 1672, A replaced by G.
Protein change: p.Met558Val; replaces methionine 558 with valine.
Molecular consequence: missense variant.
Genome position (GRCh38, 1-based): chr19:17,837,961, T>C on the plus strand (A>G on the coding strand, the complement: JAK3 is on the minus strand). VCF-style: chr19-17837961-T-C. GRCh37 (hg19) VCF-style: chr19-17948770-T-C.
Other names: c.1672A>G (NM_000215.3); short protein forms M558V.
Identifiers: ClinVar variation 1003603 (VCV001003603.7), dbSNP rs200993230, ClinGen allele CA9301820.

ClinVar aggregate classification (germline): Uncertain significance. Review status: criteria provided, multiple submitters, no conflicts (2 of 4 stars). 2 submissions from 2 submitters: Uncertain significance (2). Last evaluated 2024-07-07.

Conditions:
Inborn genetic diseases. Identifiers: MedGen C0950123, MeSH D030342.
T-B+ severe combined immunodeficiency due to JAK3 deficiency. Also called: SCID, autosomal recessive, T-negative/B-positive type; SCID, T CELL-NEGATIVE, B CELL-POSITIVE, NK CELL-NEGATIVE. Identifiers: Orphanet 35078, MedGen C1833275, MONDO:0010938, OMIM 600802.

Allele frequency attached by ClinVar (database versions not stated): ExAC 0.00002; TOPMed 0.00004.
gnomAD v4.1: 92 of 1,614,004 alleles (0.0057%); highest among the groups gnomAD compares: Non-Finnish European, 0.0078%; no homozygotes.

Submissions (2):

Ambry Genetics
Classification: Uncertain significance for Inborn genetic diseases. Last evaluated: 2024-07-07. Review status: criteria provided, single submitter. Criteria: Ambry Variant Classification Scheme 2023. Collection method: clinical testing. Allele origin: germline.

Labcorp Genetics (formerly Invitae), Labcorp
Classification: Uncertain significance for T-B+ severe combined immunodeficiency due to JAK3 deficiency. Last evaluated: 2021-08-30. Review status: criteria provided, single submitter. Criteria: Invitae Variant Classification Sherloc (09022015). Collection method: clinical testing. Allele origin: germline.
Comment: This sequence change replaces methionine with valine at codon 558 of the JAK3 protein (p.Met558Val). The methionine residue is moderately conserved and there is a small physicochemical difference between methionine and valine. This variant is present in population databases (rs200993230, ExAC 0.003%). This variant has not been reported in the literature in individuals affected with JAK3-related conditions. Algorithms developed to predict the effect of missense changes on protein structure and function are either unavailable or do not agree on the potential impact of this missense change (SIFT: "Deleterious"; PolyPhen-2: "Benign"; Align-GVGD: "Class C0"). In summary, the available evidence is currently insufficient to determine the role of this variant in disease. Therefore, it has been classified as a Variant of Uncertain Significance.